The following is an entry in ClinVar:

NM_005475.3(SH2B3):c.764C>T (p.Ser255Phe)

Gene: SH2B3 (SH2B adaptor protein 3; plus strand). Cytogenetic location: 12q24.12.
Variant type: single nucleotide variant.
Coding change: c.764C>T on transcript NM_005475.3 (MANE Select); coding-DNA position 764, C replaced by T.
Protein change: p.Ser255Phe; replaces serine 255 with phenylalanine.
Molecular consequence: missense variant.
Genome position (GRCh38, 1-based): chr12:111,446,784, C>T. VCF-style: chr12-111446784-C-T. GRCh37 (hg19) VCF-style: chr12-111884588-C-T.
Other names: c.158C>T, p.Ser53Phe (NM_001291424.1); short protein forms S53F, S255F.
Identifiers: ClinVar variation 3953448 (VCV003953448.1).

ClinVar aggregate classification (germline): Uncertain significance (1 of 4 stars; one submission).

Conditions:
Inborn genetic diseases. Identifiers: MedGen C0950123, MeSH D030342.

Submission:

Ambry Genetics
Classification: Uncertain significance for Inborn genetic diseases. Last evaluated: 2025-04-13. Review status: criteria provided, single submitter. Criteria: Ambry Variant Classification Scheme 2023. Collection method: clinical testing. Allele origin: germline.
Comment: The p.S255F variant (also known as c.764C>T), located in coding exon 2 of the SH2B3 gene, results from a C to T substitution at nucleotide position 764. The serine at codon 255 is replaced by phenylalanine, an amino acid with highly dissimilar properties. This amino acid position is conserved. In addition, the in silico prediction for this alteration is inconclusive. Based on the available evidence, the clinical significance of this variant remains unclear.